The following is an entry in ClinVar:

NM_017950.4(CCDC40):c.2939A>T (p.Lys980Met)

Gene: CCDC40 (coiled-coil domain 40 molecular ruler complex subunit; plus strand). Cytogenetic location: 17q25.3.
Variant type: single nucleotide variant.
Coding change: c.2939A>T on transcript NM_017950.4 (MANE Select); coding-DNA position 2939, A replaced by T.
Protein change: p.Lys980Met; replaces lysine 980 with methionine.
Molecular consequence: missense variant.
Genome position (GRCh38, 1-based): chr17:80,095,369, A>T. VCF-style: chr17-80095369-A-T. GRCh37 (hg19) VCF-style: chr17-78069168-A-T.
Other names: short protein forms K980M.
Identifiers: ClinVar variation 858819 (VCV000858819.8), dbSNP rs201104817, ClinGen allele CA8814556.

ClinVar aggregate classification (germline): Uncertain significance. Review status: criteria provided, multiple submitters, no conflicts (2 of 4 stars). 3 submissions from 3 submitters: Uncertain significance (3). Last evaluated 2025-08-09.

Conditions:
Primary ciliary dyskinesia. Also called: Ciliary dyskinesia. Identifiers: Orphanet 244, MedGen C0008780, MONDO:0016575, HP:0012265.

Allele frequency attached by ClinVar (database versions not stated): gnomAD 0.00003; gnomAD exomes 0.00004; ExAC 0.00005; ESP Exome Variant Server 0.00008; TOPMed 0.00001.
gnomAD v4.1: 27 of 1,614,022 alleles (0.0017%); highest among the groups gnomAD compares: Non-Finnish European, 0.0022%; no homozygotes.

Submissions (3):

Ambry Genetics
Classification: Uncertain significance for Primary ciliary dyskinesia. Last evaluated: 2025-08-09. Review status: criteria provided, single submitter. Criteria: Ambry Variant Classification Scheme 2023. Collection method: clinical testing. Allele origin: germline.

GeneDx
Classification: Uncertain significance. Last evaluated: 2025-04-17. Review status: criteria provided, single submitter. Criteria: GeneDx Variant Classification Process June 2021. Collection method: clinical testing. Allele origin: germline. Affected: yes.
Comment: In silico analysis supports that this missense variant has a deleterious effect on protein structure/function; Has not been previously published as pathogenic or benign to our knowledge

Labcorp Genetics (formerly Invitae), Labcorp
Classification: Uncertain significance for Primary ciliary dyskinesia. Last evaluated: 2021-08-24. Review status: criteria provided, single submitter. Criteria: Invitae Variant Classification Sherloc (09022015). Collection method: clinical testing. Allele origin: germline.
Comment: This sequence change replaces lysine with methionine at codon 980 of the CCDC40 protein (p.Lys980Met). The lysine residue is moderately conserved and there is a moderate physicochemical difference between lysine and methionine. This variant is present in population databases (rs201104817, ExAC 0.009%). This variant has not been reported in the literature in individuals affected with CCDC40-related conditions. Algorithms developed to predict the effect of missense changes on protein structure and function are either unavailable or do not agree on the potential impact of this missense change (SIFT: "Deleterious"; PolyPhen-2: "Probably Damaging"; Align-GVGD: "Class C0"). In summary, the available evidence is currently insufficient to determine the role of this variant in disease. Therefore, it has been classified as a Variant of Uncertain Significance.